The following is an entry in ClinVar:

ClinVar aggregate classification (germline): Uncertain significance (1 of 4 stars; one submission).

Allele frequency attached by ClinVar (database versions not stated): ESP Exome Variant Server 0.00038; gnomAD exomes 0.00052 and 0.00065; TOPMed 0.00057; 1000 Genomes Project 0.00060; gnomAD 0.00061 and 0.00063; ExAC 0.00062; 1000 Genomes Project 30x 0.00094.
gnomAD v4.1: 842 of 1,614,024 alleles (0.052%); highest among the groups gnomAD compares: Non-Finnish European, 0.058%; 5 homozygotes.

Submission:

Labcorp Genetics (formerly Invitae), Labcorp
Classification: Uncertain significance. Last evaluated: 2026-01-24. Review status: criteria provided, single submitter. Criteria: Invitae Variant Classification Sherloc (09022015). Collection method: clinical testing. Allele origin: germline.
Comment: This sequence change replaces threonine, which is neutral and polar, with methionine, which is neutral and non-polar, at codon 785 of the SULF1 protein (p.Thr785Met). This variant is present in population databases (rs150467604, gnomAD 0.1%), and has an allele count higher than expected for a pathogenic variant. This variant has not been reported in the literature in individuals affected with SULF1-related conditions. ClinVar contains an entry for this variant (Variation ID: 1449879). An algorithm developed to predict the effect of missense changes on protein structure and function (PolyPhen-2) suggests that this variant is likely to be disruptive. In summary, the available evidence is currently insufficient to determine the role of this variant in disease. Therefore, it has been classified as a Variant of Uncertain Significance.

NM_001128205.2(SULF1):c.2354C>T (p.Thr785Met)

Gene: SULF1 (sulfatase 1; plus strand). Cytogenetic location: 8q13.3.
Variant type: single nucleotide variant.
Coding change: c.2354C>T on transcript NM_001128205.2 (MANE Select); coding-DNA position 2354, C replaced by T.
Protein change: p.Thr785Met; replaces threonine 785 with methionine.
Molecular consequence: missense variant. On other transcripts: non-coding transcript variant (1).
Genome position (GRCh38, 1-based): chr8:69,638,571, C>T. VCF-style: chr8-69638571-C-T. GRCh37 (hg19) VCF-style: chr8-70550806-C-T.
Other names: c.2354C>T, p.Thr785Met (NM_001128204.2, NM_001128206.2, NM_015170.3); short protein forms T785M.
Identifiers: ClinVar variation 1449879 (VCV001449879.6), dbSNP rs150467604, ClinGen allele CA4776148.